The following is an entry in ClinVar:

NM_000046.5(ARSB):c.1336G>C (p.Gly446Arg)

Gene: ARSB (arylsulfatase B; minus strand). Cytogenetic location: 5q14.1.
Variant type: single nucleotide variant.
Coding change: c.1336G>C on transcript NM_000046.5 (MANE Select); coding-DNA position 1336, G replaced by C.
Protein change: p.Gly446Arg; replaces glycine 446 with arginine.
Molecular consequence: missense variant.
Genome position (GRCh38, 1-based): chr5:78,781,852, C>G on the plus strand (G>C on the coding strand, the complement: ARSB is on the minus strand). VCF-style: chr5-78781852-C-G. GRCh37 (hg19) VCF-style: chr5-78077675-C-G.
Other names: short protein forms G446R.
Identifiers: ClinVar variation 559704 (VCV000559704.1), dbSNP rs1554069772, ClinGen allele CA360339344.

ClinVar aggregate classification (germline): Uncertain significance (1 of 4 stars; one submission).

Conditions:
Mucopolysaccharidosis type 6 (MPS6). Also called: N-ACETYLGALACTOSAMINE-4-SULFATASE DEFICIENCY; MPS VI; MPS 6; Maroteaux Lamy syndrome; ARSB DEFICIENCY; ARYLSULFATASE B DEFICIENCY. Identifiers: Orphanet 583, MedGen C0026709, MONDO:0009661, OMIM 253200.

Submission:

Laboratory of Diagnosis and Therapy of Lysosomal Disorders, University of Padova
Classification: Uncertain significance for Mucopolysaccharidosis type 6. Last evaluated: 2018-01-01. Review status: criteria provided, single submitter. Criteria: ACMG Guidelines, 2015. Collection method: curation. Allele origin: germline. Affected: yes.
Comment: Absent from GnomAD (PM2); Multiple lines of computational evidence support a deleterious effect on the gene product (PP3)

Literature cited by the submitters: PubMed 17161971; PubMed 30118150.